The following is an entry in ClinVar:

ClinVar aggregate classification (germline): Likely benign (1 of 4 stars; one submission).

Conditions:
NYNRIN-related disorder. Also called: NYNRIN-related condition.

gnomAD v4.1: 37 of 1,613,942 alleles (0.0023%); highest among the groups gnomAD compares: South Asian, 0.0077%; no homozygotes.

Submission:

PreventionGenetics, part of Exact Sciences
Classification: Likely benign for NYNRIN-related condition. Last evaluated: 2026-05-21. Review status: criteria provided, single submitter. Criteria: ACMG Guidelines, 2015. Collection method: clinical testing. Allele origin: germline.
Comment: This variant is classified as likely benign based on ACMG/AMP sequence variant interpretation guidelines (Richards et al. 2015 PMID: 25741868, with internal and published modifications).

NM_025081.3(NYNRIN):c.5382G>A (p.Val1794=)

Gene: NYNRIN (NYN domain and retroviral integrase containing; plus strand). Cytogenetic location: 14q12.
Variant type: single nucleotide variant.
Coding change: c.5382G>A on transcript NM_025081.3 (MANE Select); coding-DNA position 5382, G replaced by A.
Protein change: p.Val1794=; no amino-acid change (valine 1794 retained).
Molecular consequence: synonymous variant.
Genome position (GRCh38, 1-based): chr14:24,417,131, G>A. VCF-style: chr14-24417131-G-A. GRCh37 (hg19) VCF-style: chr14-24886337-G-A.
Identifiers: ClinVar variation 4978811 (VCV004978811.1).
Genomic context (GRCh38, chr14:24,417,131, plus strand): 5'-GGAGATGAGCAGCGCAAACATTGAAGGGCTCAAGATGGACGTCTTCCTGCTACAGCTGGT[G>A]GGGGAGCTGCTGGAGCTCCACTGGAGGGTGGCTGACAAGGCGAGTGAAAAGGCCGAGAAC-3'
Protein context (NP_079357.2, residues 1784-1804): LKMDVFLLQL[Val1794=]GELLELHWRV